The following is an entry in ClinVar:

ClinVar aggregate classification (germline): Uncertain significance. Review status: criteria provided, multiple submitters, no conflicts (2 of 4 stars). 2 submissions from 2 submitters: Uncertain significance (2). Last evaluated 2024-04-19.

Conditions:
Pancreatic adenocarcinoma. Identifiers: MedGen C0281361, MONDO:0006047, HP:0006725.

Submissions (2):

Ambry Genetics
Classification: Uncertain significance. Last evaluated: 2024-04-19. Review status: criteria provided, single submitter. Criteria: Ambry Variant Classification Scheme 2023. Collection method: clinical testing. Allele origin: germline.
Comment: The p.S662N variant (also known as c.1985G>A), located in coding exon 10 of the PALLD gene, results from a G to A substitution at nucleotide position 1985. The serine at codon 662 is replaced by asparagine, an amino acid with highly similar properties. This amino acid position is conserved. In addition, this alteration is predicted to be tolerated by in silico analysis. Since supporting evidence is limited at this time, the clinical significance of this alteration remains unclear.

Labcorp Genetics (formerly Invitae), Labcorp
Classification: Uncertain significance for Pancreatic adenocarcinoma. Last evaluated: 2023-03-18. Review status: criteria provided, single submitter. Criteria: Invitae Variant Classification Sherloc (09022015). Collection method: clinical testing. Allele origin: germline.
Comment: ClinVar contains an entry for this variant (Variation ID: 1783867). This sequence change replaces serine, which is neutral and polar, with asparagine, which is neutral and polar, at codon 175 of the PALLD protein (p.Ser175Asn). This variant is not present in population databases (gnomAD no frequency). This variant has not been reported in the literature in individuals affected with PALLD-related conditions. Algorithms developed to predict the effect of missense changes on protein structure and function output the following: SIFT: "Not Available"; PolyPhen-2: "Benign"; Align-GVGD: "Not Available". The asparagine amino acid residue is found in multiple mammalian species, which suggests that this missense change does not adversely affect protein function. In summary, the available evidence is currently insufficient to determine the role of this variant in disease. Therefore, it has been classified as a Variant of Uncertain Significance.

NM_001166108.2(PALLD):c.1985G>A (p.Ser662Asn)

Gene: PALLD (palladin, cytoskeletal associated protein; plus strand). Cytogenetic location: 4q32.3.
Variant type: single nucleotide variant.
Coding change: c.1985G>A on transcript NM_001166108.2 (MANE Select); coding-DNA position 1985, G replaced by A.
Protein change: p.Ser662Asn; replaces serine 662 with asparagine.
Molecular consequence: missense variant. On other transcripts: 5 prime UTR variant (4).
Genome position (GRCh38, 1-based): chr4:168,890,942, G>A. VCF-style: chr4-168890942-G-A. GRCh37 (hg19) VCF-style: chr4-169812093-G-A.
Other names: c.839G>A, p.Ser280Asn (NM_001166109.2); c.524G>A, p.Ser175Asn (NM_001166110.2); c.-137G>A (NM_001367567.1, NM_001367568.1, NM_001367569.1 and 1 more transcripts); c.1985G>A, p.Ser662Asn (NM_016081.4); short protein forms S280N, S175N, S662N.
Identifiers: ClinVar variation 1783867 (VCV001783867.8), dbSNP rs2533586705, ClinGen allele CA358797091.